The following is an entry in ClinVar:

NM_017763.6(RNF43):c.443C>G (p.Ala148Gly)

Gene: RNF43 (ring finger protein 43; minus strand). Cytogenetic location: 17q22.
Variant type: single nucleotide variant.
Coding change: c.443C>G on transcript NM_017763.6 (MANE Select); coding-DNA position 443, C replaced by G.
Protein change: p.Ala148Gly; replaces alanine 148 with glycine.
Molecular consequence: missense variant.
Genome position (GRCh38, 1-based): chr17:58,363,533, G>C on the plus strand (C>G on the coding strand, the complement: RNF43 is on the minus strand). VCF-style: chr17-58363533-G-C. GRCh37 (hg19) VCF-style: chr17-56440894-G-C.
Other names: p.Ala148Gly; c.443C>G (NM_017763.4); c.443C>G, p.Ala148Gly (NM_001305544.3); c.62C>G, p.Ala21Gly (NM_001305545.2); short protein forms A148G, A21G.
Identifiers: ClinVar variation 1426271 (VCV001426271.14), dbSNP rs142178517, ClinGen allele CA8673432.

ClinVar aggregate classification (germline): Uncertain significance. Review status: criteria provided, multiple submitters, no conflicts (2 of 4 stars). 6 submissions from 6 submitters: Uncertain significance (6). Last evaluated 2025-12-02.

Conditions:
Sessile serrated polyposis cancer syndrome (SSPCS). Identifiers: Orphanet 157798, MedGen C4310714, MONDO:0014919, OMIM 617108.

Allele frequency attached by ClinVar (database versions not stated): gnomAD 0.00003 and 0.00004; gnomAD exomes 0.00004; ExAC 0.00005; TOPMed 0.00005; ESP Exome Variant Server 0.00015.
gnomAD v4.1: 59 of 1,612,244 alleles (0.0037%); highest among the groups gnomAD compares: Non-Finnish European, 0.0045%; no homozygotes.

Submissions (7):

Labcorp Genetics (formerly Invitae), Labcorp
Classification: Uncertain significance. Last evaluated: 2025-12-02. Review status: criteria provided, single submitter. Criteria: Invitae Variant Classification Sherloc (09022015). Collection method: clinical testing. Allele origin: germline.
Comment: This sequence change replaces alanine, which is neutral and non-polar, with glycine, which is neutral and non-polar, at codon 148 of the RNF43 protein (p.Ala148Gly). This variant is present in population databases (rs142178517, gnomAD 0.007%). This missense change has been observed in individual(s) with serrated polyposis cancer syndrome (PMID: 27582512). ClinVar contains an entry for this variant (Variation ID: 1426271). An algorithm developed to predict the effect of missense changes on protein structure and function (PolyPhen-2) suggests that this variant is likely to be disruptive. Experimental studies have shown that this missense change affects RNF43 function (PMID: 29330307). Algorithms developed to predict the effect of sequence changes on RNA splicing suggest that this variant may create or strengthen a splice site. In summary, the available evidence is currently insufficient to determine the role of this variant in disease. Therefore, it has been classified as a Variant of Uncertain Significance.

Ambry Genetics
Classification: Uncertain significance. Last evaluated: 2025-02-20. Review status: criteria provided, single submitter. Criteria: Ambry Variant Classification Scheme 2023. Collection method: clinical testing. Allele origin: germline.
Comment: The p.A148G variant (also known as c.443C>G), located in coding exon 3 of the RNF43 gene, results from a C to G substitution at nucleotide position 443. The alanine at codon 148 is replaced by glycine, an amino acid with similar properties. This amino acid position is highly conserved in available vertebrate species. In addition, this alteration is predicted to be tolerated by in silico analysis. The evidence for this gene-disease relationship is limited; therefore, the clinical significance of this alteration is unclear.

Mayo Clinic Laboratories, Mayo Clinic
Classification: Uncertain significance. Last evaluated: 2025-01-09. Review status: criteria provided, single submitter. Criteria: ACMG Guidelines, 2015. Collection method: clinical testing. Allele origin: germline. Observed: 1 variant allele.
Comment: PP3

Fulgent Genetics
Classification: Uncertain significance for Sessile serrated polyposis cancer syndrome. Last evaluated: 2024-02-24. Review status: criteria provided, single submitter. Criteria: ACMG Guidelines, 2015. Collection method: clinical testing. Allele origin: germline.

GeneDx
Classification: Uncertain significance. Last evaluated: 2024-01-23. Review status: criteria provided, single submitter. Criteria: GeneDx Variant Classification Process June 2021. Collection method: clinical testing. Allele origin: germline. Affected: yes.
Comment: Published functional studies suggest an impact of wnt signalling similar to a positive control (PMID: 29330307); Observed in an individual with serrated polyposis syndrome (PMID: 27582512); In silico analysis supports that this missense variant has a deleterious effect on protein structure/function; In silico analysis supports a deleterious effect on splicing; Variants in candidate genes are classified as variants of uncertain significance in accordance with ACMG guidelines (PMID: 25741868); This variant is associated with the following publications: (PMID: 29330307, 34541672, 35988960, 31243857, 36570791, 27582512)

Baylor Genetics
Classification: Uncertain significance for Sessile serrated polyposis cancer syndrome. Last evaluated: 2023-10-22. Review status: criteria provided, single submitter. Criteria: ACMG Guidelines, 2015. Collection method: clinical testing. Allele origin: unknown.

Dr. Peter K. Rogan Lab, Western University
No classification provided (evidence only). Condition: Thyroid cancer, nonmedullary, 1. Review status: no classification provided. Collection method: in vitro. Allele origin: not applicable. Functional consequence: retained intron. Not counted in ClinVar's aggregate classification.

Literature cited by the submitters: PubMed 27582512 (cited by Labcorp Genetics (formerly Invitae), Labcorp and Mayo Clinic Laboratories, Mayo Clinic); PubMed 29330307 (cited by Labcorp Genetics (formerly Invitae), Labcorp and Mayo Clinic Laboratories, Mayo Clinic).